The following is an entry in ClinVar:

ClinVar aggregate classification (germline): Uncertain significance (1 of 4 stars; one submission).

Conditions:
Charcot-Marie-Tooth disease type 2. Also called: Charcot-Marie-Tooth type 2. Identifiers: Orphanet 64746, MedGen C0270914, MONDO:0018993.

Allele frequency attached by ClinVar (database versions not stated): gnomAD 0.00001; gnomAD exomes below 0.00001 and 0.00001; TOPMed 0.00002.
gnomAD v4.1: 3 of 1,613,724 alleles (0.00019%); highest among the groups gnomAD compares: Admixed American, 0.005%; no homozygotes.

Submission:

Labcorp Genetics (formerly Invitae), Labcorp
Classification: Uncertain significance for Charcot-Marie-Tooth disease type 2. Last evaluated: 2025-10-03. Review status: criteria provided, single submitter. Criteria: Invitae Variant Classification Sherloc (09022015). Collection method: clinical testing. Allele origin: germline.
Comment: This sequence change replaces aspartic acid, which is acidic and polar, with tyrosine, which is neutral and polar, at codon 59 of the MFN2 protein (p.Asp59Tyr). This variant also falls at the last nucleotide of exon 3, which is part of the consensus splice site for this exon. This variant is present in population databases (no rsID available, gnomAD no frequency). This variant has not been reported in the literature in individuals affected with MFN2-related conditions. ClinVar contains an entry for this variant (Variation ID: 642928). Invitae Evidence Modeling of protein sequence and biophysical properties (such as structural, functional, and spatial information, amino acid conservation, physicochemical variation, residue mobility, and thermodynamic stability) has been performed for this missense variant. However, the output from this modeling did not meet the statistical confidence thresholds required to predict the impact of this variant on MFN2 protein function. Variants that disrupt the consensus splice site are a relatively common cause of aberrant splicing (PMID: 17576681, 9536098). In summary, the available evidence is currently insufficient to determine the role of this variant in disease. Therefore, it has been classified as a Variant of Uncertain Significance.

Literature cited by the submitters: PubMed 17576681; PubMed 9536098.

NM_014874.4(MFN2):c.175G>T (p.Asp59Tyr)

Gene: MFN2 (mitofusin 2; plus strand). Cytogenetic location: 1p36.22.
Variant type: single nucleotide variant.
Coding change: c.175G>T on transcript NM_014874.4 (MANE Select); coding-DNA position 175, G replaced by T.
Protein change: p.Asp59Tyr; replaces aspartic acid 59 with tyrosine.
Molecular consequence: missense variant.
Genome position (GRCh38, 1-based): chr1:11,989,343, G>T. VCF-style: chr1-11989343-G-T. GRCh37 (hg19) VCF-style: chr1-12049400-G-T.
Other names: c.175G>T, p.Asp59Tyr (NM_001127660.2); short protein forms D59Y.
Identifiers: ClinVar variation 642928 (VCV000642928.9), dbSNP rs1311434220, ClinGen allele CA338460247.